The following is an entry in ClinVar:

NM_001112741.2(KCNC1):c.1095C>T (p.Tyr365=)

Gene: KCNC1 (potassium voltage-gated channel subfamily C member 1; plus strand). Cytogenetic location: 11p15.1.
Variant type: single nucleotide variant.
Coding change: c.1095C>T on transcript NM_001112741.2 (MANE Select); coding-DNA position 1095, C replaced by T.
Protein change: p.Tyr365=; no amino-acid change (tyrosine 365 retained).
Molecular consequence: synonymous variant.
Genome position (GRCh38, 1-based): chr11:17,772,189, C>T. VCF-style: chr11-17772189-C-T. GRCh37 (hg19) VCF-style: chr11-17793736-C-T.
Other names: c.1095C>T, p.Tyr365= (NM_004976.4); c.1095C>T (NM_001112741.1).
Identifiers: ClinVar variation 1142983 (VCV001142983.43), dbSNP rs569972571, ClinGen allele CA5906770.

ClinVar aggregate classification (germline): Likely benign. Review status: criteria provided, multiple submitters, no conflicts (2 of 4 stars). 4 submissions from 4 submitters: Likely benign (3). 1 of the submissions does not count toward it. Last evaluated 2025-12-16.

Conditions:
KCNC1-related disorder. Also called: KCNC1-Related Disorders; KCNC1-related condition. Identifiers: MedGen CN381541.
Progressive myoclonic epilepsy type 7. Identifiers: Orphanet 435438, MedGen C4015420, MONDO:0014521, OMIM 616187.

Allele frequency attached by ClinVar (database versions not stated): gnomAD 0.00001; ExAC 0.00002; gnomAD exomes 0.00002 and 0.00004; 1000 Genomes Project 30x 0.00016; 1000 Genomes Project 0.00020.
gnomAD v4.1: 59 of 1,614,112 alleles (0.0037%); highest among the groups gnomAD compares: East Asian, 0.011%; no homozygotes.

Submissions (4):

Labcorp Genetics (formerly Invitae), Labcorp
Classification: Likely benign for Progressive myoclonic epilepsy type 7. Last evaluated: 2025-12-16. Review status: criteria provided, single submitter. Criteria: Invitae Variant Classification Sherloc (09022015). Collection method: clinical testing. Allele origin: germline.

Blueprint Genetics
Classification: Likely benign. Last evaluated: 2021-09-23. Review status: criteria provided, single submitter. Criteria: ACMG Guidelines, 2015. Collection method: clinical testing. Allele origin: germline.

CeGaT Center for Human Genetics Tuebingen
Classification: Likely benign. Last evaluated: 2021-06-01. Review status: criteria provided, single submitter. Criteria: CeGaT Center For Human Genetics Tuebingen Variant Classification Criteria Version 2. Collection method: clinical testing. Allele origin: germline. Affected: yes. Observed: 1 variant allele.

PreventionGenetics, part of Exact Sciences
Classification: Likely benign for KCNC1-related condition. Last evaluated: 2019-12-23. Review status: no assertion criteria provided. Collection method: clinical testing. Allele origin: germline. Not counted in ClinVar's aggregate classification.
Comment: This variant is classified as likely benign based on ACMG/AMP sequence variant interpretation guidelines (Richards et al. 2015 PMID: 25741868, with internal and published modifications).